The following is an entry in ClinVar:

NM_018319.4(TDP1):c.285G>T (p.Glu95Asp)

Genes: TDP1 (tyrosyl-DNA phosphodiesterase 1; plus strand), LOC126862019 (CDK7 strongly-dependent group 2 enhancer GRCh37_chr14:90429220-90430419; plus strand). Cytogenetic location: 14q32.11.
Variant type: single nucleotide variant.
Coding change: c.285G>T on transcript NM_018319.4 (MANE Select); coding-DNA position 285, G replaced by T.
Protein change: p.Glu95Asp; replaces glutamic acid 95 with aspartic acid.
Molecular consequence: missense variant.
Genome position (GRCh38, 1-based): chr14:89,963,399, G>T. VCF-style: chr14-89963399-G-T. GRCh37 (hg19) VCF-style: chr14-90429743-G-T.
Other names: c.285G>T, p.Glu95Asp (NM_001008744.2, NM_001330205.2); short protein forms E95D.
Identifiers: ClinVar variation 448655 (VCV000448655.9), dbSNP rs35114462, ClinGen allele CA7303551.

ClinVar aggregate classification (germline): Benign/Likely benign. Review status: criteria provided, multiple submitters, no conflicts (2 of 4 stars). 5 submissions from 5 submitters: Benign (4); Likely benign (1). Last evaluated 2024-10-08.

Allele frequency attached by ClinVar (database versions not stated): gnomAD exomes 0.00022; gnomAD 0.00236; 1000 Genomes Project 0.00280; TOPMed 0.00283; 1000 Genomes Project 30x 0.00297; ESP Exome Variant Server 0.00369.
gnomAD v4.1: 735 of 1,614,212 alleles (0.046%); highest among the groups gnomAD compares: African/African-American, 0.89%; 2 homozygotes.

Submissions (5):

Blueprint Genetics
Classification: Likely benign. Last evaluated: 2024-10-08. Review status: criteria provided, single submitter. Criteria: ACMG Guidelines, 2015. Collection method: clinical testing. Allele origin: germline.

Athena Diagnostics
Classification: Benign. Last evaluated: 2024-05-09. Review status: criteria provided, single submitter. Criteria: Athena Diagnostics Criteria. Collection method: clinical testing. Allele origin: unknown.

Mayo Clinic Laboratories, Mayo Clinic
Classification: Benign. Last evaluated: 2023-09-22. Review status: criteria provided, single submitter. Criteria: ACMG Guidelines, 2015. Collection method: clinical testing. Allele origin: germline. Observed: 2 variant alleles.
Comment: BA1, BP4

Labcorp Genetics (formerly Invitae), Labcorp
Classification: Benign. Last evaluated: 2018-06-27. Review status: criteria provided, single submitter. Criteria: Invitae Variant Classification Sherloc (09022015). Collection method: clinical testing. Allele origin: germline.

Breakthrough Genomics
Classification: Benign. Review status: criteria provided, single submitter. Criteria: ACMG Guidelines, 2015. Collection method: not provided. Allele origin: germline. Inheritance: Autosomal recessive inheritance. Affected: yes.

Literature cited by the submitters: PubMed 23852793 (cited by Athena Diagnostics and Mayo Clinic Laboratories, Mayo Clinic).